The following is an entry in ClinVar:

NM_001035.3(RYR2):c.6497G>A (p.Gly2166Glu)

Gene: RYR2 (ryanodine receptor 2; plus strand). Cytogenetic location: 1q43.
Variant type: single nucleotide variant.
Coding change: c.6497G>A on transcript NM_001035.3 (MANE Select); coding-DNA position 6497, G replaced by A.
Protein change: p.Gly2166Glu; replaces glycine 2166 with glutamic acid.
Molecular consequence: missense variant.
Genome position (GRCh38, 1-based): chr1:237,631,483, G>A. VCF-style: chr1-237631483-G-A. GRCh37 (hg19) VCF-style: chr1-237794783-G-A.
Other names: short protein forms G2166E.
Identifiers: ClinVar variation 5028708 (VCV005028708.1).

ClinVar aggregate classification (germline): Likely pathogenic (1 of 4 stars; one submission).

Conditions:
Cardiovascular phenotype. Identifiers: MedGen CN230736.

Submission:

Ambry Genetics
Classification: Likely pathogenic for Cardiovascular phenotype. Last evaluated: 2026-09-11. Review status: criteria provided, single submitter. Criteria: Ambry Variant Classification Scheme 2023. Collection method: clinical testing. Allele origin: germline.
Comment: The p.G2166E variant (also known as c.6497G>A), located in coding exon 42 of the RYR2 gene, results from a G to A substitution at nucleotide position 6497. The glycine at codon 2166 is replaced by glutamic acid, an amino acid with similar properties. This variant was reported in individual(s) with features consistent with RYR2-related ventricular arrhythmia; in at least one individual, it was determined to be de novo (Mahlke N et al. Int J Legal Med, 2019 Nov;133:1835-1838; Olubando D et al. J Hum Genet, 2020 Jun;65:531-539; Ambry internal data). This missense variant is located in a region that has a low rate of benign missense variation (Lek M et al. Nature. 2016 Aug 18;536(7616):285-91; DECIPHER: Database of Chromosomal Imbalance and Phenotype in Humans using Ensembl Resources. Firth H.V. et al. 2009. Am.J.Hum.Genet. 84, 524-533 (DOI)). This amino acid position is highly conserved in available vertebrate species. In addition, this alteration is predicted to be deleterious by in silico analysis.This variant is considered to be rare based on population cohorts in the Genome Aggregation Database (gnomAD). Based on the majority of available evidence to date, this variant is likely to be pathogenic.

Literature cited by the submitters: PubMed 31289932; PubMed 32152366.